The following is an entry in ClinVar:

ClinVar aggregate classification (germline): Pathogenic (1 of 4 stars; one submission).

Conditions:
Marfan syndrome (MFS). Also called: MARFAN SYNDROME, TYPE I; Marfan syndrome type 1; Marfan's syndrome; Marfan syndrome, classic; FBN1-Related Marfan Syndrome. Identifiers: Orphanet 284963, Orphanet 558, MedGen C0024796, MONDO:0007947, OMIM 154700.
Familial thoracic aortic aneurysm and aortic dissection (TAAD). Also called: Thoracic aortic aneurysms and dissections. Identifiers: Orphanet 91387, MedGen C4707243, MONDO:0019625.

Submission:

Labcorp Genetics (formerly Invitae), Labcorp
Classification: Pathogenic for Marfan syndrome; Familial thoracic aortic aneurysm and aortic dissection. Last evaluated: 2024-08-02. Review status: criteria provided, single submitter. Criteria: Invitae Variant Classification Sherloc (09022015). Collection method: clinical testing. Allele origin: germline.
Comment: This sequence change replaces cysteine, which is neutral and slightly polar, with serine, which is neutral and polar, at codon 1485 of the FBN1 protein (p.Cys1485Ser). This variant is not present in population databases (gnomAD no frequency). This missense change has been observed in individual(s) with clinical features of Marfan syndrome (Invitae). Advanced modeling of protein sequence and biophysical properties (such as structural, functional, and spatial information, amino acid conservation, physicochemical variation, residue mobility, and thermodynamic stability) performed at Invitae indicates that this missense variant is expected to disrupt FBN1 protein function with a positive predictive value of 95%. This variant affects a cysteine residue in the EGF-like, TGFBP or hybrid motif domains of FBN1. Cysteine residues are believed to be involved in intramolecular disulfide bridges and have been shown to be important for FBN1 protein structure (PMID: 16905551, 19349279). In addition, missense substitutions affecting cysteine residues within these domains are significantly overrepresented among patients with Marfan syndrome (PMID: 16571647, 17701892). This variant disrupts the p.Cys1485 amino acid residue in FBN1. Other variant(s) that disrupt this residue have been observed in individuals with FBN1-related conditions (PMID: 17657824, 24078565; Invitae), which suggests that this may be a clinically significant amino acid residue. For these reasons, this variant has been classified as Pathogenic.

Literature cited by the submitters: PubMed 16905551; PubMed 19349279; PubMed 16571647; PubMed 17701892; PubMed 17657824; PubMed 24078565.

NM_000138.5(FBN1):c.4453T>A (p.Cys1485Ser)

Gene: FBN1 (fibrillin 1; minus strand). Cytogenetic location: 15q21.1.
Variant type: single nucleotide variant.
Coding change: c.4453T>A on transcript NM_000138.5 (MANE Select); coding-DNA position 4453, T replaced by A.
Protein change: p.Cys1485Ser; replaces cysteine 1485 with serine.
Molecular consequence: missense variant.
Genome position (GRCh38, 1-based): chr15:48,470,640, A>T on the plus strand (T>A on the coding strand, the complement: FBN1 is on the minus strand). VCF-style: chr15-48470640-A-T. GRCh37 (hg19) VCF-style: chr15-48762837-A-T.
Other names: c.4453T>A, p.Cys1485Ser (NM_001406716.1); short protein forms C1485S.
Identifiers: ClinVar variation 3754068 (VCV003754068.2).